The following is an entry in ClinVar:

NM_000090.4(COL3A1):c.4226_4233del (p.Thr1409fs)

Gene: COL3A1 (collagen type III alpha 1 chain; plus strand). Cytogenetic location: 2q32.2.
Variant type: Deletion.
Coding change: c.4226_4233del on transcript NM_000090.4 (MANE Select); coding-DNA positions 4226 to 4233, 8 bases deleted (CCTACACA; older notation c.4226_4233delCCTACACA).
Protein change: p.Thr1409fs; shifts the reading frame from threonine 1409.
Molecular consequence: frameshift variant.
Genome position (GRCh38, 1-based): chr2:189,010,862-189,010,869, CCTACACA deleted; deleting any 8 consecutive bases within chr2:189,010,860-189,010,869 gives the same sequence; the c. name uses the placement nearest the transcript's 3' end. VCF-style (leftmost placement, unchanged base first): chr2-189010859-TCACCTACA-T. GRCh37 (hg19) VCF-style: chr2-189875585-TCACCTACA-T.
Other names: short protein forms T1409fs.
Identifiers: ClinVar variation 2043966 (VCV002043966.4), dbSNP rs2469170821, ClinGen allele CA2580065306.
Genomic context (GRCh38, chr2:189,010,859, plus strand): 5'-AGGCCCTGAAGCTGATGGGGTCAAATGAAGGTGAATTCAAGGCTGAAGGAAATAGCAAAT[TCACCTACA>T]CAGTTCTGGAGGATGGTTGCACGGTAGGAAACATTTTTCTCAATATAGGTCATAAAGCAG-3'

ClinVar aggregate classification (germline): Pathogenic (1 of 4 stars; one submission).

Conditions:
Ehlers-Danlos syndrome, type 4 (EDSVASC). Also called: Ehlers-Danlos syndrome vascular type; Ehlers Danlos syndrome, ecchymotic type; Ehlers Danlos syndrome, arterial type; Ehlers Danlos syndrome, Sack-Barabas type; Ehlers-Danlos Syndrome Type IV. Identifiers: Orphanet 286, MedGen C0268338, MONDO:0017314, OMIM 130050.

Submission:

Labcorp Genetics (formerly Invitae), Labcorp
Classification: Pathogenic for Ehlers-Danlos syndrome, type 4. Last evaluated: 2021-12-15. Review status: criteria provided, single submitter. Criteria: Invitae Variant Classification Sherloc (09022015). Collection method: clinical testing. Allele origin: germline.
Comment: This sequence change creates a premature translational stop signal (p.Thr1409Serfs*19) in the COL3A1 gene. While this is not anticipated to result in nonsense mediated decay, it is expected to disrupt the last 58 amino acid(s) of the COL3A1 protein. This variant has not been reported in the literature in individuals affected with COL3A1-related conditions. This variant is not present in population databases (gnomAD no frequency). For these reasons, this variant has been classified as Pathogenic. This variant disrupts a region of the COL3A1 protein in which other variant(s) (p.Phe1456Leu) have been determined to be pathogenic (Invitae). This suggests that this is a clinically significant region of the protein, and that variants that disrupt it are likely to be disease-causing.